The following is an entry in ClinVar:

ClinVar aggregate classification (germline): Uncertain significance. Review status: criteria provided, multiple submitters, no conflicts (2 of 4 stars). 2 submissions from 2 submitters: Uncertain significance (2). Last evaluated 2025-08-25.

Conditions:
Inborn genetic diseases. Identifiers: MedGen C0950123, MeSH D030342.
Osteogenesis imperfecta type 7 (OI7). Also called: Osteogenesis imperfecta type 2B; OI type 2B; Osteogenesis imperfecta, perinatal lethal autosomal recessive; OI type IIB; OSTEOGENESIS IMPERFECTA, TYPE IIB; OI type 7. Identifiers: MedGen C1853162, MONDO:0012536, OMIM 610682.

Allele frequency attached by ClinVar (database versions not stated): ESP Exome Variant Server 0.00017; 1000 Genomes Project 0.00040; 1000 Genomes Project 30x 0.00047.
gnomAD v4.1: 39 of 1,551,516 alleles (0.0025%); highest among the groups gnomAD compares: African/African-American, 0.049%; no homozygotes.

Submissions (2):

Ambry Genetics
Classification: Uncertain significance for Inborn genetic diseases. Last evaluated: 2025-08-25. Review status: criteria provided, single submitter. Criteria: Ambry Variant Classification Scheme 2023. Collection method: clinical testing. Allele origin: germline.

Labcorp Genetics (formerly Invitae), Labcorp
Classification: Uncertain significance for Osteogenesis imperfecta type 7. Last evaluated: 2022-06-25. Review status: criteria provided, single submitter. Criteria: Invitae Variant Classification Sherloc (09022015). Collection method: clinical testing. Allele origin: germline.
Comment: This sequence change replaces aspartic acid, which is acidic and polar, with histidine, which is basic and polar, at codon 79 of the CRTAP protein (p.Asp79His). This variant is present in population databases (rs375833342, gnomAD 0.05%). This variant has not been reported in the literature in individuals affected with CRTAP-related conditions. Algorithms developed to predict the effect of missense changes on protein structure and function are either unavailable or do not agree on the potential impact of this missense change (SIFT: "Deleterious"; PolyPhen-2: "Possibly Damaging"; Align-GVGD: "Class C0"). In summary, the available evidence is currently insufficient to determine the role of this variant in disease. Therefore, it has been classified as a Variant of Uncertain Significance.

NM_006371.5(CRTAP):c.235G>C (p.Asp79His)

Gene: CRTAP (cartilage associated protein; plus strand). Cytogenetic location: 3p22.3.
Variant type: single nucleotide variant.
Coding change: c.235G>C on transcript NM_006371.5 (MANE Select); coding-DNA position 235, G replaced by C.
Protein change: p.Asp79His; replaces aspartic acid 79 with histidine.
Molecular consequence: missense variant.
Genome position (GRCh38, 1-based): chr3:33,114,312, G>C. VCF-style: chr3-33114312-G-C. GRCh37 (hg19) VCF-style: chr3-33155804-G-C.
Other names: c.235G>C (NM_006371.4); c.235G>C, p.Asp79His (NM_001393363.1, NM_001393364.1, NM_001393365.1); short protein forms D79H.
Identifiers: ClinVar variation 1349797 (VCV001349797.4), dbSNP rs375833342, ClinGen allele CA2300232.